The following is an entry in ClinVar:

NM_004998.4(MYO1E):c.3281G>T (p.Arg1094Leu)

Gene: MYO1E (myosin IE; minus strand). Cytogenetic location: 15q22.2.
Variant type: single nucleotide variant.
Coding change: c.3281G>T on transcript NM_004998.4 (MANE Select); coding-DNA position 3281, G replaced by T.
Protein change: p.Arg1094Leu; replaces arginine 1094 with leucine.
Molecular consequence: missense variant.
Genome position (GRCh38, 1-based): chr15:59,137,426, C>A on the plus strand (G>T on the coding strand, the complement: MYO1E is on the minus strand). VCF-style: chr15-59137426-C-A. GRCh37 (hg19) VCF-style: chr15-59429625-C-A.
Other names: short protein forms R1094L.
Identifiers: ClinVar variation 2700460 (VCV002700460.3), dbSNP rs778389437, ClinGen allele CA392647798.

ClinVar aggregate classification (germline): Uncertain significance (1 of 4 stars; one submission).

Submission:

Labcorp Genetics (formerly Invitae), Labcorp
Classification: Uncertain significance. Last evaluated: 2023-12-02. Review status: criteria provided, single submitter. Criteria: Invitae Variant Classification Sherloc (09022015). Collection method: clinical testing. Allele origin: germline.
Comment: This sequence change replaces arginine, which is basic and polar, with leucine, which is neutral and non-polar, at codon 1094 of the MYO1E protein (p.Arg1094Leu). This variant is not present in population databases (gnomAD no frequency). This variant has not been reported in the literature in individuals affected with MYO1E-related conditions. An algorithm developed to predict the effect of missense changes on protein structure and function (PolyPhen-2) suggests that this variant is likely to be disruptive. Algorithms developed to predict the effect of sequence changes on RNA splicing suggest that this variant may disrupt the consensus splice site. In summary, the available evidence is currently insufficient to determine the role of this variant in disease. Therefore, it has been classified as a Variant of Uncertain Significance.